The following is an entry in ClinVar:

ClinVar aggregate classification (germline): Uncertain significance (1 of 4 stars; one submission).

Conditions:
Wolff-Parkinson-White pattern. Also called: WPW SYNDROME; Auriculoventricular accessory pathway syndrome; False bundle branch block syndrome; Anomalous ventricular excitation syndrome. Identifiers: MedGen C0043202, MONDO:0008685, OMIM 194200, HP:0001716.

Submission:

3billion
Classification: Uncertain significance for Wolff-Parkinson-White pattern. Last evaluated: 2025-05-15. Review status: criteria provided, single submitter. Criteria: ACMG Guidelines, 2015. Collection method: clinical testing. Allele origin: germline. Affected: yes.
Comment: The variant is not observed in the gnomAD v4.1.0 dataset. Predicted Consequence/Location: Missense variant. Missense changes are a common disease-causing mechanism. In silico tool predictions suggest damaging effect of the variant on gene or gene product [3Cnet: 0.99 (> 0.75, sensitivity 0.96 and precision 0.92)]. Therefore, this variant is classified as VUS according to the recommendation of ACMG/AMP guideline.

NM_016203.4(PRKAG2):c.1414A>G (p.Ile472Val)

Gene: PRKAG2 (protein kinase AMP-activated non-catalytic subunit gamma 2; minus strand). Cytogenetic location: 7q36.1.
Variant type: single nucleotide variant.
Coding change: c.1414A>G on transcript NM_016203.4 (MANE Select); coding-DNA position 1414, A replaced by G.
Protein change: p.Ile472Val; replaces isoleucine 472 with valine.
Molecular consequence: missense variant.
Genome position (GRCh38, 1-based): chr7:151,565,369, T>C on the plus strand (A>G on the coding strand, the complement: PRKAG2 is on the minus strand). VCF-style: chr7-151565369-T-C. GRCh37 (hg19) VCF-style: chr7-151262455-T-C.
Other names: c.1282A>G, p.Ile428Val (NM_001040633.2, NM_001407024.1); c.1039A>G, p.Ile347Val (NM_001304527.2, NM_001407029.1); c.691A>G, p.Ile231Val (NM_001304531.2, NM_001407034.1, NM_001407035.1 and 1 more transcripts); c.1042A>G, p.Ile348Val (NM_001363698.2, NM_001407028.1); c.1414A>G, p.Ile472Val (NM_001407021.1); c.1411A>G, p.Ile471Val (NM_001407022.1, NM_001407023.1); c.1279A>G, p.Ile427Val (NM_001407026.1, NM_001407027.1); c.1126A>G, p.Ile376Val (NM_001407030.1); and 6 more; short protein forms I230V, I231V, I247V, I251V, I347V, I348V, I364V, I366V.
Identifiers: ClinVar variation 4856136 (VCV004856136.1).